The following is an entry in ClinVar:

NM_001267550.2(TTN):c.26672A>G (p.Asn8891Ser)

Gene: TTN (titin; minus strand). Cytogenetic location: 2q31.2.
Variant type: single nucleotide variant.
Coding change: c.26672A>G on transcript NM_001267550.2 (MANE Select); coding-DNA position 26672, A replaced by G.
Protein change: p.Asn8891Ser; replaces asparagine 8891 with serine.
Molecular consequence: missense variant. On other transcripts: intron variant (3).
Genome position (GRCh38, 1-based): chr2:178,713,986, T>C on the plus strand (A>G on the coding strand, the complement: TTN is on the minus strand). VCF-style: chr2-178713986-T-C. GRCh37 (hg19) VCF-style: chr2-179578713-T-C.
Other names: p.N8574S:AAT>AGT; c.25721A>G, p.Asn8574Ser (NM_001256850.1); c.22940A>G, p.Asn7647Ser (NM_133378.4); c.13282+24096A>G (NM_003319.4); c.13858+24096A>G (NM_133437.4); c.13657+24096A>G (NM_133432.3); short protein forms N8891S, N7647S, N8574S.
Identifiers: ClinVar variation 46785 (VCV000046785.83), dbSNP rs146057575, ClinGen allele CA139188.

ClinVar aggregate classification (germline): Conflicting classifications of pathogenicity. Review status: criteria provided, conflicting classifications (1 of 4 stars). 22 submissions from 18 submitters: Uncertain significance (5); Benign (3); Likely benign (10). 4 of the submissions do not count toward it. Last evaluated 2026-09-01.

Conditions:
TTN-related disorder. Also called: TTN-related disorders; TTN-related condition; TTN-related disease.
Autosomal recessive limb-girdle muscular dystrophy type 2J (LGMDR10). Also called: MUSCULAR DYSTROPHY, LIMB-GIRDLE, AUTOSOMAL RECESSIVE 10; Limb-girdle muscular dystrophy, type 2J. Identifiers: Orphanet 140922, MedGen C1837342, MONDO:0012127, OMIM 608807.
Dilated cardiomyopathy 1G (CMD1G). Identifiers: Orphanet 154, MedGen C1858763, MONDO:0011400, OMIM 604145.
Early-onset myopathy with fatal cardiomyopathy (CMYO5). Also called: CONGENITAL MYOPATHY 5 WITH CARDIOMYOPATHY; Salih Myopathy. Identifiers: Orphanet 289377, MedGen C2673677, MONDO:0012714, OMIM 611705. Disease mechanism: loss of function.
Myopathy, myofibrillar, 9, with early respiratory failure (MFM9). Also called: Myopathy, distal, with early respiratory failure, autosomal dominant; Hereditary myopathy with early respiratory failure; EDSTROM MYOPATHY; MYOPATHY, PROXIMAL, WITH EARLY RESPIRATORY MUSCLE INVOLVEMENT. Identifiers: Orphanet 178464, Orphanet 34521, MedGen C1863599, MONDO:0011362, OMIM 603689.
Tibial muscular dystrophy (TMD). Also called: Tibial muscular dystrophy, tardive; Udd Distal Myopathy – Tibial Muscular Dystrophy; UDD MYOPATHY. Identifiers: Orphanet 609, MedGen C1838244, MONDO:0010870, OMIM 600334.

Allele frequency attached by ClinVar (database versions not stated): ESP Exome Variant Server 0.00008; gnomAD exomes 0.00037 and 0.00025; TOPMed 0.00039; 1000 Genomes Project 0.00160; 1000 Genomes Project 30x 0.00125; gnomAD 0.00025 and 0.00032; ExAC 0.00035.
gnomAD v4.1: 423 of 1,613,684 alleles (0.026%); highest among the groups gnomAD compares: Middle Eastern, 1.5%; 6 homozygotes.

Submissions 1 to 14 of 22:

CeGaT Center for Human Genetics Tuebingen
Classification: Likely benign. Last evaluated: 2026-09-01. Review status: criteria provided, single submitter. Criteria: CeGaT Center For Human Genetics Tuebingen Variant Classification Criteria Version 2. Collection method: clinical testing. Allele origin: germline. Affected: yes. Observed: 24 variant alleles.
Comment: TTN: BP4

Labcorp Genetics (formerly Invitae), Labcorp
Classification: Likely benign for Dilated cardiomyopathy 1G; Autosomal recessive limb-girdle muscular dystrophy type 2J. Last evaluated: 2026-02-01. Review status: criteria provided, single submitter. Criteria: Invitae Variant Classification Sherloc (09022015). Collection method: clinical testing. Allele origin: germline.

Molecular Diagnostic Laboratory for Inherited Cardiovascular Disease, Montreal Heart Institute
Classification: Likely benign. Last evaluated: 2025-04-09. Review status: criteria provided, single submitter. Criteria: ACMG Guidelines, 2015. Collection method: clinical testing. Allele origin: germline. Affected: no.

PreventionGenetics, part of Exact Sciences
Classification: Likely benign for TTN-related condition. Last evaluated: 2024-12-11. Review status: criteria provided, single submitter. Criteria: ACMG Guidelines, 2015. Collection method: clinical testing. Allele origin: germline.
Comment: This variant is classified as likely benign based on ACMG/AMP sequence variant interpretation guidelines (Richards et al. 2015 PMID: 25741868, with internal and published modifications).

ARUP Laboratories, Molecular Genetics and Genomics, ARUP Laboratories
Classification: Uncertain significance. Last evaluated: 2024-11-12. Review status: criteria provided, single submitter. Criteria: ARUP Molecular Germline Variant Investigation Process 2024. Collection method: clinical testing. Allele origin: germline.
Comment: The TTN c.26672A>G; p.Asn8891Ser variant (rs146057575; ClinVar Variation ID: 46785) is rare in the general population (<0.2% allele frequency in the Genome Aggregation Database) and has been reported in individuals affected with hypertrophic cardiomyopathy (HCM) and Brugada syndrome (Campuzano 2015, Mademont-Soler 2017, Martinez-Barrios 2022). The clinical relevance of rare missense variants in this gene, which are identified on average once per individual sequenced in affected populations (Herman 2012), is not well understood. Yet, evidence suggests that the vast majority of such missense variants do not contribute to the clinical outcome of DCM (Begay 2015). Thus, the clinical significance of the p.Asn8891Ser variant cannot be determined with certainty. References: Begay RL et al. Role of Titin Missense Variants in Dilated Cardiomyopathy. J Am Heart Assoc. 2015 Nov 13;4(11). PMID: 26567375. Campuzano O et al. Rare Titin (TTN) Variants in Diseases Associated with Sudden Cardiac Death. Int J Mol Sci. 2015 Oct 27;16(10):25773-87. PMID: 26516846. Herman DS et al. Truncations of titin causing dilated cardiomyopathy. N Engl J Med. 2012 Feb 16;366(7):619-28. PMID: 22335739. Linke WA and Hamdani N. Gigantic business: titin properties and function through thick and thin. Circ Res 2014; 114(6): 1052-1068. PMID: 24625729. Mademont-Soler I et al. Additional value of screening for minor genes and copy number variants in hypertrophic cardiomyopathy. PLoS One. 2017 Aug 3;12(8):e0181465. PMID: 28771489. Martinez-Barrios E et al. Discerning the Ambiguous Role of Missense TTN Variants in Inherited Arrhythmogenic Syndromes. J Pers Med. 2022 Feb 8;12(2):241. PMID: 35207729.

Blueprint Genetics
Classification: Likely benign. Last evaluated: 2024-11-08. Review status: criteria provided, single submitter. Criteria: ACMG Guidelines, 2015. Collection method: clinical testing. Allele origin: germline.

Women's Health and Genetics/Laboratory Corporation of America, LabCorp
Classification: Likely benign. Last evaluated: 2022-07-25. Review status: criteria provided, single submitter. Criteria: LabCorp Variant Classification Summary - May 2015. Collection method: clinical testing. Allele origin: germline.
Comment: Variant summary: TTN c.22940A>G (p.Asn7647Ser) results in a conservative amino acid change located in the I band of the encoded protein sequence. Three of four in-silico tools predict a benign effect of the variant on protein function. The variant allele was found at a frequency of 0.00037 in 248780 control chromosomes, predominantly at a frequency of 0.0007 within the Latino subpopulation in the gnomAD database. The observed variant frequency within Latino control individuals in the gnomAD database is approximately 2 fold of the estimated maximal expected allele frequency for a pathogenic variant in TTN causing Dilated Cardiomyopathy phenotype (0.00039), strongly suggesting that the variant is a benign polymorphism found primarily in populations of Latino origin. c.22940A>G has been reported in the literature in individuals who have been screened for cardiomyopathy associated genes (examples: Pugh_2014, Michaud_2014, Campuzano_2015, Mademont-Soler_2017, and Martnez-Barrios_2022). These reports do not provide unequivocal conclusions about association of the variant with Dilated Cardiomyopathy. Eight clinical diagnostic laboratories have submitted clinical-significance assessments for this variant to ClinVar after 2014 and classified the variant as benign (n=1), likely benign (n=5) and VUS (n=2). Based on the evidence outlined above, the variant was classified as likely benign.

Mayo Clinic Laboratories, Mayo Clinic
Classification: Uncertain significance. Last evaluated: 2021-10-14. Review status: criteria provided, single submitter. Criteria: ACMG Guidelines, 2015. Collection method: clinical testing. Allele origin: germline.

GeneDx
Classification: Likely benign. Last evaluated: 2021-06-22. Review status: criteria provided, single submitter. Criteria: GeneDx Variant Classification Process June 2021. Collection method: clinical testing. Allele origin: germline. Affected: yes.
Comment: This variant is associated with the following publications: (PMID: 24503780, 24781210, 28771489)

Centre for Mendelian Genomics, University Medical Centre Ljubljana
Classification: Likely benign for Tibial muscular dystrophy. Last evaluated: 2019-02-14. Review status: criteria provided, single submitter. Criteria: ACMG Guidelines, 2015. Collection method: clinical testing. Allele origin: unknown. Affected: yes.
Comment: This variant was classified as: Likely benign. The following ACMG criteria were applied in classifying this variant: BP1,BP4,BP6.

Athena Diagnostics
Classification: Likely benign. Last evaluated: 2018-03-02. Review status: criteria provided, single submitter. Criteria: Athena Diagnostics Criteria. Collection method: clinical testing. Allele origin: germline.

Illumina Laboratory Services, Illumina
Classification: Uncertain significance for Autosomal recessive limb-girdle muscular dystrophy type 2J. Last evaluated: 2018-01-13. Review status: criteria provided, single submitter. Criteria: ICSL Variant Classification Criteria 13 December 2019. Collection method: clinical testing. Allele origin: germline.

Illumina Laboratory Services, Illumina
Classification: Benign for Myopathy, myofibrillar, 9, with early respiratory failure. Last evaluated: 2018-01-13. Review status: criteria provided, single submitter. Criteria: ICSL Variant Classification Criteria 13 December 2019. Collection method: clinical testing. Allele origin: germline.
Comment: This variant was observed in the ICSL laboratory as part of a predisposition screen in an ostensibly healthy population. It had not been previously curated by ICSL or reported in the Human Gene Mutation Database (HGMD: prior to June 1st, 2018), and was therefore a candidate for classification through an automated scoring system. Utilizing variant allele frequency, disease prevalence and penetrance estimates, and inheritance mode, an automated score was calculated to assess if this variant is too frequent to cause the disease. Based on the score and internal cut-off values, a variant classified as benign is not then subjected to further curation. The score for this variant resulted in a classification of benign for this disease.

Illumina Laboratory Services, Illumina
Classification: Uncertain significance for Dilated cardiomyopathy 1G. Last evaluated: 2018-01-13. Review status: criteria provided, single submitter. Criteria: ICSL Variant Classification Criteria 13 December 2019. Collection method: clinical testing. Allele origin: germline.